The following is an entry in ClinVar:

NM_006231.4(POLE):c.4514C>T (p.Pro1505Leu)

Gene: POLE (DNA polymerase epsilon, catalytic subunit; minus strand). Cytogenetic location: 12q24.33.
Variant type: single nucleotide variant.
Coding change: c.4514C>T on transcript NM_006231.4 (MANE Select); coding-DNA position 4514, C replaced by T.
Protein change: p.Pro1505Leu; replaces proline 1505 with leucine.
Molecular consequence: missense variant.
Genome position (GRCh38, 1-based): chr12:132,643,261, G>A on the plus strand (C>T on the coding strand, the complement: POLE is on the minus strand). VCF-style: chr12-132643261-G-A. GRCh37 (hg19) VCF-style: chr12-133219847-G-A.
Other names: c.4514C>T (NM_006231.2); short protein forms P1505L.
Identifiers: ClinVar variation 405720 (VCV000405720.11), dbSNP rs1060500822, ClinGen allele CA16613576.
Genomic context (GRCh38, chr12:132,643,261, plus strand): 5'-GCCATGGAGGGCCCAGGACTCACAGTGTCCAGCACAAAGACGGATGCCCTGCGCTGTGAG[G>A]GGATGAAGATCCCGAAGAGCGCTTTGTGGGCCTGTGCGTGGTGGTACAGGTAGATATGGC-3'
Protein context (NP_006222.2, residues 1495-1515): AHKALFGIFI[Pro1505Leu]SQRRASVFVL

ClinVar aggregate classification (germline): Uncertain significance. Review status: criteria provided, multiple submitters, no conflicts (2 of 4 stars). 2 submissions from 2 submitters: Uncertain significance (2). Last evaluated 2025-07-15.

Conditions:
Hereditary cancer-predisposing syndrome. Also called: Hereditary Cancer Syndrome; Hereditary neoplastic syndrome; Neoplastic Syndromes, Hereditary; Tumor predisposition. Identifiers: Orphanet 140162, MedGen C0027672, MeSH D009386, MONDO:0015356.

Allele frequency attached by ClinVar (database versions not stated): gnomAD exomes below 0.00001; TOPMed 0.00001; gnomAD 0.00003.
gnomAD v4.1: 4 of 1,613,768 alleles (0.00025%); highest among the groups gnomAD compares: African/African-American, 0.0053%; no homozygotes.

Submissions (2):

Labcorp Genetics (formerly Invitae), Labcorp
Classification: Uncertain significance. Last evaluated: 2025-07-15. Review status: criteria provided, single submitter. Criteria: Invitae Variant Classification Sherloc (09022015). Collection method: clinical testing. Allele origin: germline.
Comment: This sequence change replaces proline, which is neutral and non-polar, with leucine, which is neutral and non-polar, at codon 1505 of the POLE protein (p.Pro1505Leu). This variant is present in population databases (no rsID available, gnomAD 0.01%). This variant has not been reported in the literature in individuals affected with POLE-related conditions. ClinVar contains an entry for this variant (Variation ID: 405720). Invitae Evidence Modeling of protein sequence and biophysical properties (such as structural, functional, and spatial information, amino acid conservation, physicochemical variation, residue mobility, and thermodynamic stability) indicates that this missense variant is not expected to disrupt POLE protein function with a negative predictive value of 80%. In summary, the available evidence is currently insufficient to determine the role of this variant in disease. Therefore, it has been classified as a Variant of Uncertain Significance.

Ambry Genetics
Classification: Uncertain significance for Hereditary cancer-predisposing syndrome. Last evaluated: 2024-12-20. Review status: criteria provided, single submitter. Criteria: Ambry Variant Classification Scheme 2023. Collection method: clinical testing. Allele origin: germline.
Comment: The p.P1505L variant (also known as c.4514C>T), located in coding exon 35 of the POLE gene, results from a C to T substitution at nucleotide position 4514. The proline at codon 1505 is replaced by leucine, an amino acid with similar properties. This amino acid position is highly conserved in available vertebrate species. In addition, the in silico prediction for this alteration is inconclusive. Based on the available evidence, the clinical significance of this variant remains unclear.